The following is an entry in ClinVar:

NM_001134363.3(RBM20):c.1867C>T (p.Arg623Trp)

Gene: RBM20 (RNA binding motif protein 20; plus strand). Cytogenetic location: 10q25.2.
Variant type: single nucleotide variant.
Coding change: c.1867C>T on transcript NM_001134363.3 (MANE Select); coding-DNA position 1867, C replaced by T.
Protein change: p.Arg623Trp; replaces arginine 623 with tryptophan.
Molecular consequence: missense variant.
Genome position (GRCh38, 1-based): chr10:110,810,449, C>T. VCF-style: chr10-110810449-C-T. GRCh37 (hg19) VCF-style: chr10-112570207-C-T.
Other names: p.R623W:CGG>TGG; c.1867C>T (LRG_382t1); short protein forms R623W.
Identifiers: ClinVar variation 202061 (VCV000202061.8), dbSNP rs794729148, ClinGen allele CA335545.

ClinVar aggregate classification (germline): Conflicting classifications of pathogenicity. Review status: criteria provided, conflicting classifications (1 of 4 stars). 4 submissions from 4 submitters: Likely pathogenic (1); Uncertain significance (3). Last evaluated 2026-02-09.

Conditions:
Cardiovascular phenotype. Identifiers: MedGen CN230736.
Dilated cardiomyopathy 1DD (CMD1DD). Identifiers: Orphanet 154, MedGen C2750995, MONDO:0013168, OMIM 613172.

Allele frequency attached by ClinVar (database versions not stated): gnomAD 0.00003 and 0.00002; gnomAD exomes 0.00002; TOPMed 0.00002.
gnomAD v4.1: 41 of 1,551,222 alleles (0.0026%); highest among the groups gnomAD compares: Non-Finnish European, 0.0032%; no homozygotes.

Submissions (4):

Ambry Genetics
Classification: Uncertain significance for Cardiovascular phenotype. Last evaluated: 2026-02-09. Review status: criteria provided, single submitter. Criteria: Ambry Variant Classification Scheme 2023. Collection method: clinical testing. Allele origin: germline.
Comment: The p.R623W variant (also known as c.1867C>T), located in coding exon 8 of the RBM20 gene, results from a C to T substitution at nucleotide position 1867. The arginine at codon 623 is replaced by tryptophan, an amino acid with dissimilar properties. This amino acid position is well conserved in available vertebrate species. In addition, this alteration is predicted to be deleterious by in silico analysis. Based on the available evidence, the clinical significance of this variant remains unclear.

Labcorp Genetics (formerly Invitae), Labcorp
Classification: Uncertain significance for Dilated cardiomyopathy 1DD. Last evaluated: 2025-06-14. Review status: criteria provided, single submitter. Criteria: Invitae Variant Classification Sherloc (09022015). Collection method: clinical testing. Allele origin: germline.
Comment: This sequence change replaces arginine, which is basic and polar, with tryptophan, which is neutral and slightly polar, at codon 623 of the RBM20 protein (p.Arg623Trp). This variant is present in population databases (rs794729148, gnomAD 0.006%). This missense change has been observed in individual(s) with clinical features of RBM20-related conditions (PMID: 35352813, 37432431). ClinVar contains an entry for this variant (Variation ID: 202061). Invitae Evidence Modeling of protein sequence and biophysical properties (such as structural, functional, and spatial information, amino acid conservation, physicochemical variation, residue mobility, and thermodynamic stability) has been performed for this missense variant. However, the output from this modeling did not meet the statistical confidence thresholds required to predict the impact of this variant on RBM20 protein function. In summary, the available evidence is currently insufficient to determine the role of this variant in disease. Therefore, it has been classified as a Variant of Uncertain Significance.

Molecular Diagnostic Laboratory for Inherited Cardiovascular Disease, Montreal Heart Institute
Classification: Uncertain significance. Last evaluated: 2020-01-21. Review status: criteria provided, single submitter. Criteria: ACMG Guidelines, 2015. Collection method: clinical testing. Allele origin: germline. Affected: yes.

GeneDx
Classification: Likely pathogenic. Last evaluated: 2014-07-16. Review status: criteria provided, single submitter. Criteria: GeneDx Variant Classification (06012015). Collection method: clinical testing. Allele origin: germline. Affected: yes.
Comment: p.Arg623Trp (CGG>TGG): c.1867 C>T in exon 8 of the RBM20 gene (NM_001134363.1). It has not been published as a mutation, nor has it been reported as a benign polymorphism to our knowledge. The R623W variant was not observed in approximately 2,200 individuals of European and African American ancestry in the NHLBI Exome Sequencing Project, indicating it is not a common benign variant in these populations. The R623W variant is a non-conservative amino acid substitution, which is likely to impact secondary protein structure as these residues differ in polarity, charge, size and/or other properties. This substitution occurs at a position that is conserved across species. In silico analysis predicts this variant is probably damaging to protein structure/function. Missense mutations in a nearby residue (R634Q, R634W) have been reported in association with DCM, supporting the functional importance of this region of the protein. Therefore, this variant is a strong candidate for a pathogenic mutation, however the possibility that it is a benign variant cannot be excluded. The variant is found in DCM-CRDM panel(s).

Literature cited by the submitters: PubMed 35352813 (cited by Labcorp Genetics (formerly Invitae), Labcorp); PubMed 37432431 (cited by Labcorp Genetics (formerly Invitae), Labcorp).